The following is an entry in ClinVar:

ClinVar aggregate classification (germline): Uncertain significance (1 of 4 stars; one submission).

Conditions:
Hereditary cancer-predisposing syndrome. Also called: Neoplastic Syndromes, Hereditary; Tumor predisposition; Hereditary Cancer Syndrome; Hereditary neoplastic syndrome. Identifiers: Orphanet 140162, MedGen C0027672, MeSH D009386, MONDO:0015356.

Submission:

Ambry Genetics
Classification: Uncertain significance for Hereditary cancer-predisposing syndrome. Last evaluated: 2020-12-23. Review status: criteria provided, single submitter. Criteria: Ambry Variant Classification Scheme 2023. Collection method: clinical testing. Allele origin: germline.
Comment: The p.A375S variant (also known as c.1123G>T), located in coding exon 7 of the BRIP1 gene, results from a G to T substitution at nucleotide position 1123. The alanine at codon 375 is replaced by serine, an amino acid with similar properties. This amino acid position is not well conserved in available vertebrate species. In addition, this alteration is predicted to be tolerated by in silico analysis. Since supporting evidence is limited at this time, the clinical significance of this alteration remains unclear.

NM_032043.3(BRIP1):c.1123G>T (p.Ala375Ser)

Gene: BRIP1 (BRCA1 interacting DNA helicase 1; minus strand). Cytogenetic location: 17q23.2.
Variant type: single nucleotide variant.
Coding change: c.1123G>T on transcript NM_032043.3 (MANE Select); coding-DNA position 1123, G replaced by T.
Protein change: p.Ala375Ser; replaces alanine 375 with serine.
Molecular consequence: missense variant.
Genome position (GRCh38, 1-based): chr17:61,801,270, C>A on the plus strand (G>T on the coding strand, the complement: BRIP1 is on the minus strand). VCF-style: chr17-61801270-C-A. GRCh37 (hg19) VCF-style: chr17-59878631-C-A.
Other names: short protein forms A375S.
Identifiers: ClinVar variation 1798498 (VCV001798498.2), dbSNP rs878855135, ClinGen allele CA400483884.